The following is an entry in ClinVar:

ClinVar aggregate classification (germline): Uncertain significance (1 of 4 stars; one submission).

Conditions:
Severe combined immunodeficiency, autosomal recessive, T cell-negative, B cell-negative, NK cell-positive. Also called: Severe combined immunodeficiency due to complete RAG1/2 deficiency; SCID, T CELL-NEGATIVE, B CELL-NEGATIVE, NK CELL-POSITIVE; SCID, AR, T-cell negative, B-cell negative, NK cell-positive. Identifiers: Orphanet 331206, MedGen C1832322, MONDO:0011086, OMIM 601457.
Combined immunodeficiency with skin granulomas. Identifiers: Orphanet 157949, MedGen C2673536, MONDO:0009306, OMIM 233650.

Allele frequency attached by ClinVar (database versions not stated): gnomAD 0.00001; 1000 Genomes Project 30x 0.00016; 1000 Genomes Project 0.00020.
gnomAD v4.1: 13 of 1,614,156 alleles (0.00081%); highest among the groups gnomAD compares: Non-Finnish European, 0.0011%; no homozygotes.

Submission:

Labcorp Genetics (formerly Invitae), Labcorp
Classification: Uncertain significance for Combined immunodeficiency with skin granulomas; Severe combined immunodeficiency, autosomal recessive, T cell-negative, B cell-negative, NK cell-positive. Last evaluated: 2022-08-23. Review status: criteria provided, single submitter. Criteria: Invitae Variant Classification Sherloc (09022015). Collection method: clinical testing. Allele origin: germline.
Comment: Algorithms developed to predict the effect of missense changes on protein structure and function are either unavailable or do not agree on the potential impact of this missense change (SIFT: "Deleterious"; PolyPhen-2: "Possibly Damaging"; Align-GVGD: "Class C0"). In summary, the available evidence is currently insufficient to determine the role of this variant in disease. Therefore, it has been classified as a Variant of Uncertain Significance. ClinVar contains an entry for this variant (Variation ID: 1463833). This variant has not been reported in the literature in individuals affected with RAG1-related conditions. This variant is present in population databases (rs201192233, gnomAD 0.0009%). This sequence change replaces isoleucine, which is neutral and non-polar, with leucine, which is neutral and non-polar, at codon 729 of the RAG1 protein (p.Ile729Leu).

NM_000448.3(RAG1):c.2185A>C (p.Ile729Leu)

Gene: RAG1 (recombination activating 1; plus strand). Cytogenetic location: 11p12.
Variant type: single nucleotide variant.
Coding change: c.2185A>C on transcript NM_000448.3 (MANE Select); coding-DNA position 2185, A replaced by C.
Protein change: p.Ile729Leu; replaces isoleucine 729 with leucine.
Molecular consequence: missense variant.
Genome position (GRCh38, 1-based): chr11:36,575,489, A>C. VCF-style: chr11-36575489-A-C. GRCh37 (hg19) VCF-style: chr11-36597039-A-C.
Other names: c.2185A>C, p.Ile729Leu (NM_001377277.1, NM_001377278.1, NM_001377279.1 and 1 more transcripts); short protein forms I729L.
Identifiers: ClinVar variation 1463833 (VCV001463833.7), dbSNP rs201192233, ClinGen allele CA5950223.